The following is an entry in ClinVar:

ClinVar aggregate classification (germline): Uncertain significance. Review status: criteria provided, multiple submitters, no conflicts (2 of 4 stars). 2 submissions from 2 submitters: Uncertain significance (2). Last evaluated 2024-12-30.

Conditions:
Neutropenia, severe congenital, 2, autosomal dominant. Identifiers: Orphanet 486, MedGen C2751288, MONDO:0013139, OMIM 613107.

Allele frequency attached by ClinVar (database versions not stated): TOPMed 0.00001; gnomAD 0.00002; ESP Exome Variant Server 0.00008.
gnomAD v4.1: 8 of 1,613,066 alleles (0.0005%); highest among the groups gnomAD compares: African/African-American, 0.0027%; no homozygotes.

Submissions (2):

Labcorp Genetics (formerly Invitae), Labcorp
Classification: Uncertain significance for Neutropenia, severe congenital, 2, autosomal dominant. Last evaluated: 2024-12-30. Review status: criteria provided, single submitter. Criteria: Invitae Variant Classification Sherloc (09022015). Collection method: clinical testing. Allele origin: germline.
Comment: This sequence change replaces tyrosine, which is neutral and polar, with cysteine, which is neutral and slightly polar, at codon 25 of the GFI1 protein (p.Tyr25Cys). This variant is present in population databases (rs375422035, gnomAD 0.01%). This variant has not been reported in the literature in individuals affected with GFI1-related conditions. ClinVar contains an entry for this variant (Variation ID: 864714). Invitae Evidence Modeling of protein sequence and biophysical properties (such as structural, functional, and spatial information, amino acid conservation, physicochemical variation, residue mobility, and thermodynamic stability) indicates that this missense variant is not expected to disrupt GFI1 protein function with a negative predictive value of 80%. In summary, the available evidence is currently insufficient to determine the role of this variant in disease. Therefore, it has been classified as a Variant of Uncertain Significance.

Ambry Genetics
Classification: Uncertain significance. Last evaluated: 2024-10-02. Review status: criteria provided, single submitter. Criteria: Ambry Variant Classification Scheme 2023. Collection method: clinical testing. Allele origin: germline.
Comment: The p.Y25C variant (also known as c.74A>G), located in coding exon 1 of the GFI1 gene, results from an A to G substitution at nucleotide position 74. The tyrosine at codon 25 is replaced by cysteine, an amino acid with highly dissimilar properties. This amino acid position is conserved. In addition, this alteration is predicted to be tolerated by in silico analysis. Based on the available evidence, the clinical significance of this variant remains unclear.

NM_005263.5(GFI1):c.74A>G (p.Tyr25Cys)

Gene: GFI1 (growth factor independent 1 transcriptional repressor; minus strand). Cytogenetic location: 1p22.1.
Variant type: single nucleotide variant.
Coding change: c.74A>G on transcript NM_005263.5 (MANE Select); coding-DNA position 74, A replaced by G.
Protein change: p.Tyr25Cys; replaces tyrosine 25 with cysteine.
Molecular consequence: missense variant.
Genome position (GRCh38, 1-based): chr1:92,483,414, T>C on the plus strand (A>G on the coding strand, the complement: GFI1 is on the minus strand). VCF-style: chr1-92483414-T-C. GRCh37 (hg19) VCF-style: chr1-92948971-T-C.
Other names: c.74A>G, p.Tyr25Cys (NM_001127216.3, NM_001127215.3); short protein forms Y25C.
Identifiers: ClinVar variation 864714 (VCV000864714.10), dbSNP rs375422035, ClinGen allele CA951511.